The following is an entry in ClinVar:

NM_001386298.1(CIC):c.3325A>G (p.Ile1109Val)

Gene: CIC (capicua transcriptional repressor; plus strand). Cytogenetic location: 19q13.2.
Variant type: single nucleotide variant.
Coding change: c.3325A>G on transcript NM_001386298.1 (MANE Select); coding-DNA position 3325, A replaced by G.
Protein change: p.Ile1109Val; replaces isoleucine 1109 with valine.
Molecular consequence: missense variant.
Genome position (GRCh38, 1-based): chr19:42,287,560, A>G. VCF-style: chr19-42287560-A-G. GRCh37 (hg19) VCF-style: chr19-42791712-A-G.
Other names: c.3325A>G, p.Ile1109Val (NM_001304815.2, NM_001379480.1, NM_001379482.1 and 1 more transcripts); c.598A>G, p.Ile200Val (NM_001379484.1, NM_001379485.1, NM_015125.5); short protein forms I1109V, I200V.
Identifiers: ClinVar variation 2626975 (VCV002626975.1), dbSNP rs2037750243, ClinGen allele CA406097536.

ClinVar aggregate classification (germline): Uncertain significance (1 of 4 stars; one submission).

Allele frequency attached by ClinVar (database versions not stated): gnomAD exomes below 0.00001.
gnomAD v4.1: 3 of 1,613,520 alleles (0.00019%); highest among the groups gnomAD compares: Non-Finnish European, 0.00025%; no homozygotes.

Submission:

Greenwood Genetic Center Diagnostic Laboratories, Greenwood Genetic Center
Classification: Uncertain significance. Last evaluated: 2023-07-03. Review status: criteria provided, single submitter. Criteria: ACMG Guidelines, 2015. Collection method: clinical testing. Allele origin: germline. Affected: yes.
Comment: PM2, BP4